The following is an entry in ClinVar:

NM_001142864.4(PIEZO1):c.3416G>C (p.Arg1139Pro)

Gene: PIEZO1 (piezo type mechanosensitive ion channel component 1 (Er blood group); minus strand). Cytogenetic location: 16q24.3.
Variant type: single nucleotide variant.
Coding change: c.3416G>C on transcript NM_001142864.4 (MANE Select); coding-DNA position 3416, G replaced by C.
Protein change: p.Arg1139Pro; replaces arginine 1139 with proline.
Molecular consequence: missense variant.
Genome position (GRCh38, 1-based): chr16:88,727,078, C>G on the plus strand (G>C on the coding strand, the complement: PIEZO1 is on the minus strand). VCF-style: chr16-88727078-C-G. GRCh37 (hg19) VCF-style: chr16-88793486-C-G.
Other names: short protein forms R1139P.
Identifiers: ClinVar variation 3718813 (VCV003718813.3).

ClinVar aggregate classification (germline): Conflicting classifications of pathogenicity. Review status: criteria provided, conflicting classifications (1 of 4 stars). 2 submissions from 2 submitters: Uncertain significance (1); Benign (1). Last evaluated 2025-05-23.

gnomAD v4.1: 17 of 1,549,464 alleles (0.0011%); highest among the groups gnomAD compares: African/African-American, 0.016%; no homozygotes.

Submissions (2):

ARUP Laboratories, Molecular Genetics and Genomics, ARUP Laboratories
Classification: Uncertain significance. Last evaluated: 2025-05-23. Review status: criteria provided, single submitter. Criteria: ARUP Molecular Germline Variant Investigation Process 2024. Collection method: clinical testing. Allele origin: germline.
Comment: The PIEZO1 c.3416G>C; p.Arg1139Pro variant (rs747323210), to our knowledge, is not reported in the medical literature or gene specific databases. This variant is only observed on three alleles in the Genome Aggregation Database (v2.1.1), indicating it is not a common polymorphism. Computational analyses predict that this variant is neutral (REVEL: 0.116). Due to limited information, the clinical significance of this variant is uncertain at this time.

Labcorp Genetics (formerly Invitae), Labcorp
Classification: Benign. Last evaluated: 2024-09-29. Review status: criteria provided, single submitter. Criteria: Invitae Variant Classification Sherloc (09022015). Collection method: clinical testing. Allele origin: germline.